The following is an entry in ClinVar:

ClinVar aggregate classification (germline): Uncertain significance (1 of 4 stars; one submission).

Conditions:
Hereditary cancer-predisposing syndrome. Also called: Neoplastic Syndromes, Hereditary; Tumor predisposition; Hereditary Cancer Syndrome; Hereditary neoplastic syndrome. Identifiers: Orphanet 140162, MedGen C0027672, MeSH D009386, MONDO:0015356.

Allele frequency attached by ClinVar (database versions not stated): gnomAD exomes below 0.00001; ExAC 0.00001.
gnomAD v4.1: 2 of 1,613,740 alleles (0.00012%); highest among the groups gnomAD compares: Non-Finnish European, 0.00017%; no homozygotes.

Submission:

Ambry Genetics
Classification: Uncertain significance for Hereditary cancer-predisposing syndrome. Last evaluated: 2024-09-16. Review status: criteria provided, single submitter. Criteria: Ambry Variant Classification Scheme 2023. Collection method: clinical testing. Allele origin: germline.
Comment: The p.F116L variant (also known as c.346T>C), located in coding exon 3 of the XRCC2 gene, results from a T to C substitution at nucleotide position 346. The phenylalanine at codon 116 is replaced by leucine, an amino acid with highly similar properties. This amino acid position is conserved. In addition, this alteration is predicted to be tolerated by in silico analysis. Since supporting evidence is limited at this time, the clinical significance of this alteration remains unclear.

NM_005431.2(XRCC2):c.346T>C (p.Phe116Leu)

Gene: XRCC2 (X-ray repair cross complementing 2; minus strand). Cytogenetic location: 7q36.1.
Variant type: single nucleotide variant.
Coding change: c.346T>C on transcript NM_005431.2 (MANE Select); coding-DNA position 346, T replaced by C.
Protein change: p.Phe116Leu; replaces phenylalanine 116 with leucine.
Molecular consequence: missense variant.
Genome position (GRCh38, 1-based): chr7:152,649,139, A>G on the plus strand (T>C on the coding strand, the complement: XRCC2 is on the minus strand). VCF-style: chr7-152649139-A-G. GRCh37 (hg19) VCF-style: chr7-152346224-A-G.
Other names: short protein forms F116L.
Identifiers: ClinVar variation 1731726 (VCV001731726.3), dbSNP rs755776842, ClinGen allele CA4582357.